The following is an entry in ClinVar:

ClinVar aggregate classification (germline): Uncertain significance (1 of 4 stars; one submission).

Conditions:
Ehlers-Danlos syndrome, musculocontractural type 2 (EDSMC2). Identifiers: Orphanet 2953, MedGen C3809845, MONDO:0014236, OMIM 615539.

Submission:

Labcorp Genetics (formerly Invitae), Labcorp
Classification: Uncertain significance for Ehlers-Danlos syndrome, musculocontractural type 2. Last evaluated: 2024-10-30. Review status: criteria provided, single submitter. Criteria: Invitae Variant Classification Sherloc (09022015). Collection method: clinical testing. Allele origin: germline.
Comment: This sequence change replaces valine, which is neutral and non-polar, with leucine, which is neutral and non-polar, at codon 569 of the DSE protein (p.Val569Leu). This variant is not present in population databases (gnomAD no frequency). This variant has not been reported in the literature in individuals affected with DSE-related conditions. Invitae Evidence Modeling of protein sequence and biophysical properties (such as structural, functional, and spatial information, amino acid conservation, physicochemical variation, residue mobility, and thermodynamic stability) indicates that this missense variant is not expected to disrupt DSE protein function with a negative predictive value of 80%. In summary, the available evidence is currently insufficient to determine the role of this variant in disease. Therefore, it has been classified as a Variant of Uncertain Significance.

NM_013352.4(DSE):c.1705G>C (p.Val569Leu)

Gene: DSE (dermatan sulfate epimerase; plus strand). Cytogenetic location: 6q22.1.
Variant type: single nucleotide variant.
Coding change: c.1705G>C on transcript NM_013352.4 (MANE Select); coding-DNA position 1705, G replaced by C.
Protein change: p.Val569Leu; replaces valine 569 with leucine.
Molecular consequence: missense variant. On other transcripts: 3 prime UTR variant (2), non-coding transcript variant (1).
Genome position (GRCh38, 1-based): chr6:116,436,173, G>C. VCF-style: chr6-116436173-G-C. GRCh37 (hg19) VCF-style: chr6-116757336-G-C.
Other names: c.1705G>C, p.Val569Leu (NM_001080976.3, NM_001322937.2, NM_001322938.2); c.1762G>C, p.Val588Leu (NM_001322939.2); c.1144G>C, p.Val382Leu (NM_001322940.2, NM_001322941.2); c.*570G>C (NM_001322943.2, NM_001322944.2); c.706G>C, p.Val236Leu (NM_001374520.1); c.670G>C, p.Val224Leu (NM_001374521.1); short protein forms V382L, V569L, V224L, V236L, V588L.
Identifiers: ClinVar variation 3709640 (VCV003709640.2).
Genomic context (GRCh38, chr6:116,436,173, plus strand): 5'-CTCAACCTGAAGAATGTTCAGAGGAATCTCATCCTCCTACATCCACAGCTGCTTCTCCTT[G>C]TAGACCAAATACACCTGGGAGAGGAGAGTCCCTTGGAGACAGCAGCGAGCTTCTTCCATA-3'
Protein context (NP_037484.1, residues 559-579): ILLHPQLLLL[Val569Leu]DQIHLGEESP